The following is an entry in ClinVar:

ClinVar aggregate classification (germline): Likely benign (1 of 4 stars; one submission).

gnomAD v4.1: 28 of 1,612,082 alleles (0.0017%); highest among the groups gnomAD compares: Admixed American, 0.0033%; no homozygotes.

Submission:

CeGaT Center for Human Genetics Tuebingen
Classification: Likely benign. Last evaluated: 2026-07-01. Review status: criteria provided, single submitter. Criteria: CeGaT Center For Human Genetics Tuebingen Variant Classification Criteria Version 2. Collection method: clinical testing. Allele origin: germline. Affected: yes. Observed: 1 variant allele.
Comment: PRR12: BP4

NM_020719.3(PRR12):c.362-6C>T

Gene: PRR12 (proline rich 12; plus strand). Cytogenetic location: 19q13.33.
Variant type: single nucleotide variant.
Coding change: c.362-6C>T on transcript NM_020719.3 (MANE Select); 6 bases into the intron before coding-DNA position 362, C replaced by T.
Molecular consequence: intron variant.
Genome position (GRCh38, 1-based): chr19:49,594,691, C>T. VCF-style: chr19-49594691-C-T. GRCh37 (hg19) VCF-style: chr19-50097948-C-T.
Identifiers: ClinVar variation 5039466 (VCV005039466.1).